The following is an entry in ClinVar:

NM_181486.4(TBX5):c.1012del (p.Tyr338fs)

Gene: TBX5 (T-box transcription factor 5; minus strand). Cytogenetic location: 12q24.21.
Variant type: Deletion.
Coding change: c.1012del on transcript NM_181486.4 (MANE Select); coding-DNA position 1012, one base deleted (T; older notation c.1012delT).
Protein change: p.Tyr338fs; shifts the reading frame from tyrosine 338.
Molecular consequence: frameshift variant.
Genome position (GRCh38, 1-based): chr12:114,356,077, A deleted on the plus strand (T on the coding strand, the reverse complement: TBX5 is on the minus strand). VCF-style (leftmost placement, unchanged base first): chr12-114356076-TA-T. GRCh37 (hg19) VCF-style: chr12-114793881-TA-T.
Other names: c.1012del, p.Tyr338fs (NM_000192.3); c.862del, p.Tyr288fs (NM_080717.4); short protein forms Y288fs, Y338fs.
Identifiers: ClinVar variation 1454149 (VCV001454149.6), dbSNP rs2136360335, ClinGen allele CA2573148003.

ClinVar aggregate classification (germline): Pathogenic (1 of 4 stars; one submission).

Conditions:
Aortic valve disease 2 (AOVD2). Identifiers: MedGen C3542024, MONDO:0013902, OMIM 614823.

Submission:

Labcorp Genetics (formerly Invitae), Labcorp
Classification: Pathogenic for Aortic valve disease 2. Last evaluated: 2021-09-10. Review status: criteria provided, single submitter. Criteria: Invitae Variant Classification Sherloc (09022015). Collection method: clinical testing. Allele origin: germline.
Comment: For these reasons, this variant has been classified as Pathogenic. This variant disrupts a region of the TBX5 protein in which other variant(s) (p.Ser372*) have been determined to be pathogenic (Invitae). This suggests that this is a clinically significant region of the protein, and that variants that disrupt it are likely to be disease-causing. Experimental studies and prediction algorithms are not available or were not evaluated, and the functional significance of this variant is currently unknown. This variant has not been reported in the literature in individuals affected with TBX5-related conditions. This variant is not present in population databases (ExAC no frequency). This sequence change creates a premature translational stop signal (p.Tyr338Ilefs*56) in the TBX5 gene. While this is not anticipated to result in nonsense mediated decay, it is expected to disrupt the last 181 amino acid(s) of the TBX5 protein.